The following is an entry in ClinVar:

ClinVar aggregate classification (germline): Uncertain significance (1 of 4 stars; one submission).

Allele frequency attached by ClinVar (database versions not stated): gnomAD exomes below 0.00001; ExAC 0.00002.
gnomAD v4.1: 2 of 1,614,142 alleles (0.00012%); highest among the groups gnomAD compares: Non-Finnish European, 0.00017%; no homozygotes.

Submission:

Labcorp Genetics (formerly Invitae), Labcorp
Classification: Uncertain significance. Last evaluated: 2023-02-23. Review status: criteria provided, single submitter. Criteria: Invitae Variant Classification Sherloc (09022015). Collection method: clinical testing. Allele origin: germline.
Comment: An algorithm developed to predict the effect of missense changes on protein structure and function (PolyPhen-2) suggests that this variant is likely to be disruptive. This variant has not been reported in the literature in individuals affected with AP3D1-related conditions. This variant is present in population databases (rs773799433, gnomAD 0.002%). This sequence change replaces proline, which is neutral and non-polar, with leucine, which is neutral and non-polar, at codon 215 of the AP3D1 protein (p.Pro215Leu). In summary, the available evidence is currently insufficient to determine the role of this variant in disease. Therefore, it has been classified as a Variant of Uncertain Significance.

NM_001261826.3(AP3D1):c.644C>T (p.Pro215Leu)

Gene: AP3D1 (adaptor related protein complex 3 subunit delta 1; minus strand). Cytogenetic location: 19p13.3.
Variant type: single nucleotide variant.
Coding change: c.644C>T on transcript NM_001261826.3 (MANE Select); coding-DNA position 644, C replaced by T.
Protein change: p.Pro215Leu; replaces proline 215 with leucine.
Molecular consequence: missense variant.
Genome position (GRCh38, 1-based): chr19:2,129,406, G>A on the plus strand (C>T on the coding strand, the complement: AP3D1 is on the minus strand). VCF-style: chr19-2129406-G-A. GRCh37 (hg19) VCF-style: chr19-2129405-G-A.
Other names: c.644C>T, p.Pro215Leu (NM_001374799.1, NM_003938.8); short protein forms P215L.
Identifiers: ClinVar variation 2830586 (VCV002830586.3), dbSNP rs773799433, ClinGen allele CA9059630.